The following is an entry in ClinVar:

ClinVar aggregate classification (germline): Uncertain significance (1 of 4 stars; one submission).

Conditions:
Inborn genetic diseases. Identifiers: MedGen C0950123, MeSH D030342.

Submission:

Ambry Genetics
Classification: Uncertain significance for Inborn genetic diseases. Last evaluated: 2025-04-06. Review status: criteria provided, single submitter. Criteria: Ambry Variant Classification Scheme 2023. Collection method: clinical testing. Allele origin: germline.
Comment: The p.S39R variant (also known as c.115A>C), located in coding exon 1 of the SAMD9L gene, results from an A to C substitution at nucleotide position 115. The serine at codon 39 is replaced by arginine, an amino acid with dissimilar properties. This amino acid position is conserved. In addition, this alteration is predicted to be tolerated by in silico analysis. Based on the available evidence, the clinical significance of this variant remains unclear.

NM_152703.5(SAMD9L):c.115A>C (p.Ser39Arg)

Gene: SAMD9L (sterile alpha motif domain containing 9 like; minus strand). Cytogenetic location: 7q21.2.
Variant type: single nucleotide variant.
Coding change: c.115A>C on transcript NM_152703.5 (MANE Select); coding-DNA position 115, A replaced by C.
Protein change: p.Ser39Arg; replaces serine 39 with arginine.
Molecular consequence: missense variant.
Genome position (GRCh38, 1-based): chr7:93,135,857, T>G on the plus strand (A>C on the coding strand, the complement: SAMD9L is on the minus strand). VCF-style: chr7-93135857-T-G. GRCh37 (hg19) VCF-style: chr7-92765170-T-G.
Other names: c.115A>C, p.Ser39Arg (NM_001303496.3, NM_001303497.3, NM_001303498.3 and 5 more transcripts); short protein forms S39R.
Identifiers: ClinVar variation 3949814 (VCV003949814.1).
Genomic context (GRCh38, chr7:93,135,857, plus strand): 5'-CCATTTCTACAAGGTCCTTCTCAGTTAATTCCTGCAGGACTAATCCTGTTACTTCTTCAC[T>G]GAGCAGAATTTGCCCGTATTGCTCATTAATCTTAAGGTCTTCATTTACCCATTTTTTCAC-3'
Protein context (NP_689916.2, residues 29-49): INEQYGQILL[Ser39Arg]EEVTGLVLQE